The following is an entry in ClinVar:

NM_000719.7(CACNA1C):c.2853+167A>G

Gene: CACNA1C (calcium voltage-gated channel subunit alpha1 C; plus strand). Cytogenetic location: 12p13.33.
Variant type: single nucleotide variant.
Coding change: c.2853+167A>G on transcript NM_000719.7 (MANE Select); 167 bases into the intron after coding-DNA position 2853, A replaced by G.
Molecular consequence: intron variant. On other transcripts: missense variant (11).
Genome position (GRCh38, 1-based): chr12:2,597,456, A>G. VCF-style: chr12-2597456-A-G. GRCh37 (hg19) VCF-style: chr12-2706622-A-G.
Other names: c.2873A>G, p.Tyr958Cys (NM_001129827.2, NM_001129832.2, NM_199460.4); c.2813A>G, p.Tyr938Cys (NM_001129830.3, NM_001129835.2, NM_001129836.2 and 5 more transcripts); c.2853+167A>G (NM_001167624.3, NM_001167623.2, NM_001167625.2 and 7 more transcripts); c.2844+167A>G (NM_001129844.2); short protein forms Y938C, Y958C.
Identifiers: ClinVar variation 3364757 (VCV003364757.2).

ClinVar aggregate classification (germline): Uncertain significance (1 of 4 stars; one submission).

Submission:

GeneDx
Classification: Uncertain significance. Last evaluated: 2025-02-13. Review status: criteria provided, single submitter. Criteria: GeneDx Variant Classification Process June 2021. Collection method: clinical testing. Allele origin: germline.
Comment: Not observed at significant frequency in large population cohorts (gnomAD); In silico analysis supports that this missense variant has a deleterious effect on protein structure/function; Reported using an alternate transcript of the gene; Has not been previously published as pathogenic or benign to our knowledge